The following is an entry in ClinVar:

ClinVar aggregate classification (germline): Uncertain significance. Review status: criteria provided, multiple submitters, no conflicts (2 of 4 stars). 3 submissions from 3 submitters: Uncertain significance (3). Last evaluated 2023-03-17.

Conditions:
Diffuse cerebral and cerebellar atrophy - intractable seizures - progressive microcephaly syndrome. Also called: Microcephaly, progressive, with seizures and cerebral and cerebellar atrophy. Identifiers: Orphanet 404437, MedGen C4014239, MONDO:0014335, OMIM 615760.

Allele frequency attached by ClinVar (database versions not stated): gnomAD exomes below 0.00001 and 0.00001; gnomAD 0.00001; TOPMed 0.00001.

Submissions (3):

Mayo Clinic Laboratories, Mayo Clinic
Classification: Uncertain significance. Last evaluated: 2023-03-17. Review status: criteria provided, single submitter. Criteria: ACMG Guidelines, 2015. Collection method: clinical testing. Allele origin: germline. Observed: 1 variant allele.
Comment: BP4, PM2

Labcorp Genetics (formerly Invitae), Labcorp
Classification: Uncertain significance for Diffuse cerebral and cerebellar atrophy - intractable seizures - progressive microcephaly syndrome. Last evaluated: 2022-11-15. Review status: criteria provided, single submitter. Criteria: Invitae Variant Classification Sherloc (09022015). Collection method: clinical testing. Allele origin: germline.
Comment: ClinVar contains an entry for this variant (Variation ID: 453034). This variant has not been reported in the literature in individuals affected with QARS-related conditions. This variant is present in population databases (no rsID available, gnomAD 0.003%). This sequence change replaces glutamic acid, which is acidic and polar, with glycine, which is neutral and non-polar, at codon 186 of the QARS protein (p.Glu186Gly). Advanced modeling of protein sequence and biophysical properties (such as structural, functional, and spatial information, amino acid conservation, physicochemical variation, residue mobility, and thermodynamic stability) has been performed at Invitae for this missense variant, however the output from this modeling did not meet the statistical confidence thresholds required to predict the impact of this variant on QARS protein function. In summary, the available evidence is currently insufficient to determine the role of this variant in disease. Therefore, it has been classified as a Variant of Uncertain Significance.

GeneDx
Classification: Uncertain significance. Last evaluated: 2017-10-26. Review status: criteria provided, single submitter. Criteria: GeneDx Variant Classification (06012015). Collection method: clinical testing. Allele origin: germline. Affected: yes.
Comment: The E186G variant has not been published as a pathogenic variant, nor has it been reported as a benign variant to our knowledge. This variant is not observed ata significant frequency in large population cohorts (Lek et al., 2016). The E186G variant is a non-conservative amino acid substitution, which is likely to impact secondary protein structure as these residues differ in polarity, charge, size and/or other properties. However, this substitution occurs at a position that is not conserved. In silico analysis is inconsistent in its predictions as to whether or not the variant is damaging to the protein structure/function. Therefore, based on the currently available information, it is unclear whether this variant is a pathogenic variant or a rare benign variant.

NM_005051.3(QARS1):c.557A>G (p.Glu186Gly)

Gene: QARS1 (glutaminyl-tRNA synthetase 1; minus strand). Cytogenetic location: 3p21.31.
Variant type: single nucleotide variant.
Coding change: c.557A>G on transcript NM_005051.3 (MANE Select); coding-DNA position 557, A replaced by G.
Protein change: p.Glu186Gly; replaces glutamic acid 186 with glycine.
Molecular consequence: missense variant. On other transcripts: non-coding transcript variant (1).
Genome position (GRCh38, 1-based): chr3:49,102,432, T>C on the plus strand (A>G on the coding strand, the complement: QARS1 is on the minus strand). VCF-style: chr3-49102432-T-C. GRCh37 (hg19) VCF-style: chr3-49139865-T-C.
Other names: p.Glu186Gly; c.524A>G, p.Glu175Gly (NM_001272073.2); short protein forms E186G, E175G.
Identifiers: ClinVar variation 453034 (VCV000453034.7), dbSNP rs1346246672, ClinGen allele CA352716787.